The following is an entry in ClinVar:

NM_198525.3(KIF7):c.1922+13C>T

Gene: KIF7 (kinesin family member 7; minus strand). Cytogenetic location: 15q26.1.
Variant type: single nucleotide variant.
Coding change: c.1922+13C>T on transcript NM_198525.3 (MANE Select); 13 bases into the intron after coding-DNA position 1922, C replaced by T.
Molecular consequence: intron variant.
Genome position (GRCh38, 1-based): chr15:89,645,880, G>A on the plus strand (C>T on the coding strand, the complement: KIF7 is on the minus strand). VCF-style: chr15-89645880-G-A. GRCh37 (hg19) VCF-style: chr15-90189111-G-A.
Identifiers: ClinVar variation 508717 (VCV000508717.13), dbSNP rs376321790, ClinGen allele CA7728409.

ClinVar aggregate classification (germline): Conflicting classifications of pathogenicity. Review status: criteria provided, conflicting classifications (1 of 4 stars). 4 submissions from 4 submitters: Uncertain significance (1); Likely benign (3). Last evaluated 2026-01-27.

Conditions:
Acrocallosal syndrome (ACLS). Also called: Schinzel syndrome 1; Absence of corpus callosum with unusual facial appearance, mental deficiency, duplication of the halluces and polydactyly; HALLUX DUPLICATION, POSTAXIAL POLYDACTYLY, AND ABSENCE OF CORPUS CALLOSUM. Identifiers: Orphanet 36, MedGen C0796147, MONDO:0008708, OMIM 200990.

Allele frequency attached by ClinVar (database versions not stated): ESP Exome Variant Server 0.00008; gnomAD 0.00013; ExAC 0.00014; gnomAD exomes 0.00014 and 0.00018; TOPMed 0.00014.
gnomAD v4.1: 282 of 1,612,416 alleles (0.017%); highest among the groups gnomAD compares: Admixed American, 0.023%; no homozygotes.

Submissions (4):

Labcorp Genetics (formerly Invitae), Labcorp
Classification: Likely benign for Acrocallosal syndrome. Last evaluated: 2026-01-27. Review status: criteria provided, single submitter. Criteria: Invitae Variant Classification Sherloc (09022015). Collection method: clinical testing. Allele origin: germline.

Blueprint Genetics
Classification: Likely benign. Last evaluated: 2024-07-30. Review status: criteria provided, single submitter. Criteria: ACMG Guidelines, 2015. Collection method: clinical testing. Allele origin: germline.

Illumina Laboratory Services, Illumina
Classification: Uncertain significance for Acrocallosal syndrome. Last evaluated: 2018-01-12. Review status: criteria provided, single submitter. Criteria: ICSL Variant Classification Criteria 13 December 2019. Collection method: clinical testing. Allele origin: germline.

GeneDx
Classification: Likely benign. Last evaluated: 2017-04-05. Review status: criteria provided, single submitter. Criteria: GeneDx Variant Classification (06012015). Collection method: clinical testing. Allele origin: germline. Affected: yes.
Comment: This variant is considered likely benign or benign based on one or more of the following criteria: it is a conservative change, it occurs at a poorly conserved position in the protein, it is predicted to be benign by multiple in silico algorithms, and/or has population frequency not consistent with disease.